The following is an entry in ClinVar:

NM_001048174.2(MUTYH):c.159del (p.Ser54fs)

Gene: MUTYH (mutY DNA glycosylase; minus strand). Cytogenetic location: 1p34.1.
Variant type: Deletion.
Coding change: c.159del on transcript NM_001048174.2 (MANE Select); coding-DNA position 159, one base deleted (C; older notation c.159delC).
Protein change: p.Ser54fs; shifts the reading frame from serine 54.
Molecular consequence: frameshift variant. On other transcripts: 5 prime UTR variant (1), non-coding transcript variant (5), intron variant (5).
Genome position (GRCh38, 1-based): chr1:45,333,518, G deleted on the plus strand (C on the coding strand, the reverse complement: MUTYH is on the minus strand). VCF-style (leftmost placement, unchanged base first): chr1-45333517-AG-A. GRCh37 (hg19) VCF-style: chr1-45799189-AG-A.
Other names: c.159del, p.Ser54fs (NM_001048171.2, NM_001048173.2, NM_001293195.2 and 6 more transcripts); c.162del, p.Ser55fs (NM_001048172.2, NM_001407071.1, NM_001407078.1 and 2 more transcripts); c.243del, p.Ser82fs (NM_001128425.2); c.204del, p.Ser69fs (NM_001293190.2); c.192del, p.Ser65fs (NM_001293191.2, NM_001407077.1); c.-113del (NM_001350650.2); c.234del, p.Ser79fs (NM_001407069.1, NM_012222.3); c.201del, p.Ser68fs (NM_001407073.1, NM_001407083.1, NM_001407085.1); and 4 more; short protein forms S26fs, S54fs, S55fs, S61fs, S65fs, S68fs, S69fs, S79fs.
Identifiers: ClinVar variation 4813005 (VCV004813005.1).
Genomic context (GRCh38, chr1:45,333,517, plus strand): 5'-TTAGCAGGCTCCCTCGGAAGGCTGTGACTTCAGCTACGTCTCTGAATAGATGGTATGAGG[AG>A]ACAGAGGCCTGCAATACCACCTCTTCCGGCTGCCTGGCCAGGCCTGCTGGGGCCCCAGGA-3'

ClinVar aggregate classification (germline): Pathogenic (1 of 4 stars; one submission).

Conditions:
Familial adenomatous polyposis 2. Also called: COLORECTAL ADENOMATOUS POLYPOSIS, AUTOSOMAL RECESSIVE; ADENOMAS, MULTIPLE COLORECTAL, AUTOSOMAL RECESSIVE; FAP type 2; MUTYH Polyposis; MYH-associated polyposis; Adenomas, multiple colorectal. Identifiers: Orphanet 220460, Orphanet 247798, MedGen C3272841, MONDO:0012041, OMIM 608456.

Submission:

Myriad Genetics, Inc.
Classification: Pathogenic for Familial adenomatous polyposis 2. Last evaluated: 2025-12-03. Review status: criteria provided, single submitter. Criteria: Myriad Autosomal Dominant, Autosomal Recessive and X-Linked Classification Criteria (2023). Collection method: clinical testing. Allele origin: unknown.
Comment: This variant is considered pathogenic. This variant creates a frameshift predicted to result in premature protein truncation.